The following is an entry in ClinVar:

NM_001042492.3(NF1):c.4836-10T>G

Gene: NF1 (neurofibromin 1; plus strand). Cytogenetic location: 17q11.2.
Variant type: single nucleotide variant.
Coding change: c.4836-10T>G on transcript NM_001042492.3 (MANE Select); 10 bases into the intron before coding-DNA position 4836, T replaced by G.
Molecular consequence: intron variant.
Genome position (GRCh38, 1-based): chr17:31,325,810, T>G. VCF-style: chr17-31325810-T-G. GRCh37 (hg19) VCF-style: chr17-29652828-T-G.
Other names: c.4773-10T>G (NM_000267.4).
Identifiers: ClinVar variation 237572 (VCV000237572.5), dbSNP rs878853899, ClinGen allele CA10583509.
Genomic context (GRCh38, chr17:31,325,810, plus strand): 5'-GATTAGTGGCATCTGTATATTTATTTTAAACACTGCTAATAATCTTTGTCTTTTTTGTCA[T>G]TTTCCTTAGGTTCAAAACTGGTCAAATCAATGGTGATTTGCTGATATACCATGTCTTACT-3'

ClinVar aggregate classification (germline): Pathogenic (1 of 4 stars; one submission).

Conditions:
Neurofibromatosis, type 1 (NF1). Also called: VON RECKLINGHAUSEN DISEASE; NEUROFIBROMATOSIS, TYPE I, SOMATIC; Peripheral type neurofibromatosis; Neurofibromatosis, type I. Identifiers: Orphanet 636, MedGen C0027831, MONDO:0018975, OMIM 162200. Disease mechanism: loss of function.

Submission:

Labcorp Genetics (formerly Invitae), Labcorp
Classification: Pathogenic for Neurofibromatosis, type 1. Last evaluated: 2025-10-01. Review status: criteria provided, single submitter. Criteria: Invitae Variant Classification Sherloc (09022015). Collection method: clinical testing. Allele origin: germline.
Comment: This sequence change falls in intron 35 of the NF1 gene. It does not directly change the encoded amino acid sequence of the NF1 protein. This variant is not present in population databases (gnomAD no frequency). This variant has been observed in individual(s) with clinical features of neurofibromatosis type 1 (PMID: 36339945; internal data). In at least one individual the variant was observed to be de novo. This variant is also known as c.4836–10T>G. ClinVar contains an entry for this variant (Variation ID: 237572). Algorithms developed to predict the effect of sequence changes on RNA splicing suggest that this variant may disrupt the consensus splice site. For these reasons, this variant has been classified as Pathogenic.

Literature cited by the submitters: PubMed 36339945.